The following is an entry in ClinVar:

ClinVar aggregate classification (germline): Pathogenic. Review status: criteria provided, single submitter (1 of 4 stars). 2 submissions from 1 submitter: Pathogenic (2). Last evaluated 2016-06-12.

Conditions:
Wilms tumor 1 (WT1). Also called: Wilms tumor, somatic. Identifiers: Orphanet 654, MedGen CN033288, MONDO:0008679, OMIM 194070.
Frasier syndrome. Identifiers: Orphanet 347, MedGen C0950122, MeSH D052159, MONDO:0007635, OMIM 136680.
Drash syndrome (DDS). Also called: NEPHROPATHY, WILMS TUMOR, AND GENITAL ANOMALIES; WILMS TUMOR AND PSEUDO- OR TRUE HERMAPHRODITISM. Identifiers: Orphanet 220, MedGen C0950121, MONDO:0008682, OMIM 194080.
11p partial monosomy syndrome (WAGR). Also called: CHROMOSOME 11p13 DELETION SYNDROME; WAGR syndrome; WAGR Complex; WAGR Spectrum Disorder. Identifiers: Orphanet 893, MedGen C0206115, MONDO:0008681, OMIM 194072.

Submissions (2):

Labcorp Genetics (formerly Invitae), Labcorp
Classification: Pathogenic for Drash syndrome; Wilms tumor 1; Frasier syndrome. Last evaluated: 2016-06-12. Review status: criteria provided, single submitter. Criteria: Invitae Variant Classification Sherloc (09022015). Collection method: clinical testing. Allele origin: germline.
Comment: This sequence change deletes 1 nucleotide from exon 3 of the WT1 mRNA (c.797delC), causing a frameshift at codon 266. This creates a premature translational stop signal (p.Pro266Argfs*20) and is expected to result in an absent or disrupted protein product. While this particular variant has not been reported in the literature, truncating variants in WT1 are known to be pathogenic (PMID: 15150775). For these reasons, this variant has been classified as Pathogenic.

Labcorp Genetics (formerly Invitae), Labcorp
Classification: Pathogenic for Wilms tumor 1; Drash syndrome; 11p partial monosomy syndrome; Frasier syndrome. Last evaluated: 2016-06-12. Review status: criteria provided, single submitter. Criteria: Invitae Variant Classification Sherloc (09022015). Collection method: clinical testing. Allele origin: germline.
Comment: While this particular variant has not been reported in the literature, truncating variants in WT1 are known to be pathogenic (PMID: 15150775). For these reasons, this variant has been classified as Pathogenic. This sequence change deletes 1 nucleotide from exon 3 of the WT1 mRNA (c.797delC), causing a frameshift at codon 266. This creates a premature translational stop signal (p.Pro266Argfs*20) and is expected to result in an absent or disrupted protein product.

Literature cited by the submitters: PubMed 15150775.

NM_024426.6(WT1):c.812del (p.Pro271fs)

Gene: WT1 (WT1 transcription factor; minus strand). Cytogenetic location: 11p13.
Variant type: Deletion.
Coding change: c.812del on transcript NM_024426.6 (MANE Select); coding-DNA position 812, one base deleted (C; older notation c.812delC).
Protein change: p.Pro271fs; shifts the reading frame from proline 271.
Molecular consequence: frameshift variant. On other transcripts: non-coding transcript variant (1).
Genome position (GRCh38, 1-based): chr11:32,428,031, G deleted on the plus strand (C on the coding strand, the reverse complement: WT1 is on the minus strand); the first of 5 consecutive G bases (chr11:32,428,031-32,428,035); deleting any one gives the same sequence. VCF-style (leftmost placement, unchanged base first): chr11-32428030-CG-C. GRCh37 (hg19) VCF-style: chr11-32449576-CG-C.
Other names: c.812del, p.Pro271fs (NM_000378.6, NM_024424.5); c.157delC, p.Pro54Argfs (NM_001198551.2); c.161del, p.Pro54fs (NM_001198552.2); c.808delC, p.Pro271Argfs (NM_001407044.1, NM_001407045.1, NM_001407046.1 and 2 more transcripts); c.685delC, p.Pro230Argfs (NM_001407047.1, NM_001407050.1); c.46delC, p.Pro17Argfs (NM_001407051.1); c.793delC, p.Pro266Argfs (NM_024425.2); short protein forms P271fs, P54fs.
Identifiers: ClinVar variation 406680 (VCV000406680.9), dbSNP rs1060501253, ClinGen allele CA16613560.
Genomic context (GRCh38, chr11:32,428,030, plus strand): 5'-CCTCAGCAGCAAAGCCTGGCTGCCGGTGCAGCTGTCGGTGGGGGTGTGGCAGCCATAGAC[CG>C]GGGGCGGCACCGAGTACTGCTGCTCACCTGCAGAGAGAACCGAAGACAGCTGAGCGAGTG-3'